The following is an entry in ClinVar:

ClinVar aggregate classification (germline): Pathogenic. Review status: criteria provided, multiple submitters, no conflicts (2 of 4 stars). 10 submissions from 10 submitters: Pathogenic (9). 1 of the submissions does not count toward it. Last evaluated 2025-07-16.

Conditions:
COL1A2-related disorder. Also called: COL1A2-Related Disorders; COL1A2-related condition.
Osteogenesis imperfecta, perinatal lethal (OI2). Also called: OI, TYPE II; OSTEOGENESIS IMPERFECTA CONGENITA; OSTEOGENESIS IMPERFECTA, TYPE II; Osteogenesis imperfecta, dominant perinatal lethal; VROLIK TYPE OF OSTEOGENESIS IMPERFECTA; Osteogenesis imperfecta type 2. Identifiers: Orphanet 216804, MedGen C0268358, MONDO:0008147, OMIM 166210.
Osteogenesis imperfecta (OI). Identifiers: Orphanet 666, MedGen C0029434, MeSH D010013, MONDO:0019019.
Osteogenesis imperfecta type I (OI1). Also called: Lobstein's Disease; Lobstein disease; OI, TYPE I; OSTEOGENESIS IMPERFECTA TARDA; OSTEOGENESIS IMPERFECTA WITH BLUE SCLERAE; Classic Non-deforming Osteogenesis Imperfecta with Blue Sclerae. Identifiers: Orphanet 216796, Orphanet 666, MedGen C0023931, MONDO:0008146, OMIM 166200. Disease mechanism: loss of function.
Osteogenesis imperfecta with normal sclerae, dominant form (OI4). Also called: OSTEOGENESIS IMPERFECTA, TYPE IV, WITH DENTINOGENESIS IMPERFECTA; OSTEOGENESIS IMPERFECTA WITH NORMAL SCLERAE; Common Variable Osteogenesis Imperfecta with Normal Sclerae; Osteogenesis imperfecta type 4; Osteogenesis Imperfecta Type IV. Identifiers: Orphanet 216820, Orphanet 666, MedGen C0268363, MONDO:0008148, OMIM 166220.
Ehlers-Danlos syndrome, classic type, 1 (EDSCL1). Also called: Ehlers-Danlos syndrome, type 1; EHLERS-DANLOS SYNDROME, GRAVIS TYPE; EHLERS-DANLOS SYNDROME, SEVERE CLASSIC TYPE; EDS I; Ehlers-Danlos Syndrome, Classic Type, COL5A1-Related. Identifiers: MedGen C0268335, MONDO:0019567, OMIM 130000.

Submissions (10):

Clinical Biomedical Laboratory, Shriners Hospital For Children - Canada
Classification: Pathogenic for Osteogenesis imperfecta type I. Last evaluated: 2025-07-16. Review status: criteria provided, single submitter. Criteria: ACMG Guidelines, 2015. Collection method: clinical testing. Allele origin: germline. Affected: yes.
Comment: This variant is predicted to substitute a glycine residue by a serine residue in the alpha 2 chain of collagen type I. Glycine substitutions in the triple helical domain of collagen type I cause disruption in the formation of the triple helix in the collagen molecule and are a typical cause of osteogenesis imperfecta. This variant is absent from the Genome Aggregation Database v.2.1.1, indicating it is very rare. This variant has been reported in the literature (PMID:27509835, 25944380). Prediction tools (REVEL: 0.99) suggest that the change is detrimental to protein function.

Labcorp Genetics (formerly Invitae), Labcorp
Classification: Pathogenic for Osteogenesis imperfecta type I; Ehlers-Danlos syndrome, classic type, 1. Last evaluated: 2025-04-14. Review status: criteria provided, single submitter. Criteria: Invitae Variant Classification Sherloc (09022015). Collection method: clinical testing. Allele origin: germline.
Comment: This sequence change replaces glycine, which is neutral and non-polar, with serine, which is neutral and polar, at codon 601 of the COL1A2 protein (p.Gly601Ser). This variant is not present in population databases (gnomAD no frequency). This missense change has been observed in individual(s) with autosomal dominant osteogenesis imperfecta (PMID: 11317364, 26177859). In at least one individual the variant was observed to be de novo. This variant is also known as Gly511Ser. ClinVar contains an entry for this variant (Variation ID: 425649). Invitae Evidence Modeling of protein sequence and biophysical properties (such as structural, functional, and spatial information, amino acid conservation, physicochemical variation, residue mobility, and thermodynamic stability) indicates that this missense variant is expected to disrupt COL1A2 protein function with a positive predictive value of 95%. This variant disrupts the triple helix domain of COL1A2. Glycine residues within the Gly-Xaa-Yaa repeats of the triple helix domain are required for the structure and stability of fibrillar collagens (PMID: 7695699, 8218237, 19344236). In COL1A2, variants affecting these glycine residues are significantly enriched in individuals with disease (PMID: 9016532, 17078022) compared to the general population (ExAC). For these reasons, this variant has been classified as Pathogenic.

GeneDx
Classification: Pathogenic. Last evaluated: 2023-10-24. Review status: criteria provided, single submitter. Criteria: GeneDx Variant Classification Process June 2021. Collection method: clinical testing. Allele origin: germline. Affected: yes.
Comment: Not observed at significant frequency in large population cohorts (gnomAD); In silico analysis supports that this missense variant has a deleterious effect on protein structure/function; Occurs in the triple helical domain and replaces a glycine in a canonical Gly-X-Y repeat; missense substitution of a canonical glycine residue is expected to disrupt normal protein folding and function, and this is an established mechanism of disease (Jovanovic et al., 2021); This variant is associated with the following publications: (PMID: 25086671, 16705691, 35154279, 11317364, 26177859, 27510842, 25944380, 21667357, 17078022, 31994750, 33470886, 34122524, 34341165, 35909573, 34902613, 34007986)

3billion
Classification: Pathogenic for Osteogenesis imperfecta with normal sclerae, dominant form. Last evaluated: 2023-02-23. Review status: criteria provided, single submitter. Criteria: ACMG Guidelines, 2015. Collection method: clinical testing. Allele origin: unknown. Affected: yes.
Comment: The variant is not observed in the gnomAD v2.1.1 dataset. Missense changes are a common disease-causing mechanism. In silico tool predictions suggest damaging effect of the variant on gene or gene product (REVEL: 0.98; 3Cnet: 0.97). Same nucleotide change resulting in same amino acid change has been previously reported as pathogenic/likely pathogenic with strong evidence (ClinVar ID: VCV000425649). The variant has been observed in multiple (>3) similarly affected unrelated individuals (PMID: 11317364, 16705691, 21667357, 25944380). The variant has been previously reported as assumed (i.e. paternity and maternity not confirmed) de novo in at least one similarly affected unrelated individual (PMID: 25944380). A different missense change at the same codon (p.Gly601Asp) has been reported to be associated with COL1A2 related disorder (PMID: 17078022). Therefore, this variant is classified as Pathogenic according to the recommendation of ACMG/AMP guideline.

Laboratorio de Genetica e Diagnostico Molecular, Hospital Israelita Albert Einstein
Classification: Pathogenic for Osteogenesis imperfecta, perinatal lethal. Last evaluated: 2022-07-04. Review status: criteria provided, single submitter. Criteria: ACMG Guidelines, 2015. Collection method: clinical testing. Allele origin: germline. Affected: yes. Observed: 1 variant allele.
Comment: ACMG classification criteria: PS4 strong, PM1 moderated, PM2 moderated, PP3 supporting, PP4

Dasa
Classification: Pathogenic for Osteogenesis imperfecta. Last evaluated: 2022-03-05. Review status: criteria provided, single submitter. Criteria: ACMG Guidelines, 2015. Collection method: clinical testing. Allele origin: germline. Affected: yes. Observed: 1 variant allele.
Comment: The c.1801G>A;p.(Gly601Ser) missense variant has been observed in affected individual(s) and ClinVar contains an entry for this variant (ClinVar ID: 425649; PMID: 25944380; PMID: 21667357; PMID: 16705691; PMID: 11317364) - PS4. The variant is located in a mutational hot spot and/or critical and well-established functional domain (COLFI - triple helix domain; PMID: 19344236; PMID: 17078022) - PM1. This variant is not present in population databases (rs72658143- gnomAD; ABraOM no frequency) - PM2. The variant was assumed de novo, but without confirmation of paternity and maternity (PMID: 25944380) - PM6. Multiple lines of computational evidence support a deleterious effect on the gene or gene product - PP3. In summary, the currently available evidence indicates that the variant is pathogenic.

Blueprint Genetics
Classification: Pathogenic for COL1A2-related disorders. Last evaluated: 2020-10-19. Review status: criteria provided, single submitter. Criteria: ACMG Guidelines, 2015. Collection method: clinical testing. Allele origin: germline. Affected: yes. Observed: 5 variant alleles.

Victorian Clinical Genetics Services, Murdoch Childrens Research Institute
Classification: Pathogenic for Osteogenesis imperfecta with normal sclerae, dominant form. Last evaluated: 2020-10-19. Review status: criteria provided, single submitter. Criteria: ACMG Guidelines, 2015. Collection method: clinical testing. Allele origin: germline. Inheritance: Autosomal dominant inheritance.
Comment: Based on the classification scheme VCGS_Germline_v1.3.3, this variant is classified as Pathogenic. Following criteria are met: 0103 - Dominant negative and loss of function are known mechanisms of disease in this gene and are associated with osteogenesis imperfecta, type IV (MIM #166220). (I) 0108 - This gene is associated with both recessive and dominant disease. Osteogenesis imperfecta is dominantly inherited, however Ehlers-Danlos syndrome can be either dominant or recessive (OMIM). (I) 0200 - Variant is predicted to result in a missense amino acid change from glycine to serine. (I) 0251 - This variant is heterozygous. (I) 0301 - Variant is absent from gnomAD (both v2 and v3). (SP) 0501 - Missense variant consistently predicted to be damaging by multiple in silico tools or highly conserved with a major amino acid change. (SP) 0601 - Variant is located in the well-established functional collagen triple helix motif. The variant affects the glycine of a Gly-X-Y repeat (NCBI, PDB). (SP) 0703 - Other missense variants comparable to the one identified in this case have moderate previous evidence for pathogenicity. Alternate changes at the same residue, to aspartic acid and valine, have previously been reported as pathogenic (LOVD, PMID: 17078022). (SP) 0801 - This variant has strong previous evidence of pathogenicity in unrelated individuals. The variant has previously been reported as pathogenic in more than ten patients with osteogenesis imperfecta (ClinVar, HGMD, PMIDs: 11317364, 17078022, 27509835). (SP) 1208 - Inheritance information for this variant is not currently available in this individual. (I) Legend: (SP) - Supporting pathogenic, (I) - Information, (SB) - Supporting benign

Eurofins Ntd Llc (ga)
Classification: Pathogenic. Last evaluated: 2017-02-20. Review status: criteria provided, single submitter. Criteria: EGL Classification Definitions 2015. Collection method: clinical testing. Allele origin: germline. Observed: 1 variant allele, 1 heterozygote.

Department of Medical Sciences, Uppsala University
Classification: Pathogenic for OI type I. Review status: no assertion criteria provided. Collection method: clinical testing. Allele origin: unknown. Affected: yes. Observed: 1 variant allele. Not counted in ClinVar's aggregate classification.

Literature cited by the submitters: PubMed 27509835 (cited by Clinical Biomedical Laboratory, Shriners Hospital For Children - Canada and Victorian Clinical Genetics Services, Murdoch Childrens Research Institute); PubMed 25944380 (cited by 5 submitters); PubMed 11317364 (cited by 5 submitters); PubMed 26177859 (cited by Labcorp Genetics (formerly Invitae), Labcorp); PubMed 7695699 (cited by Labcorp Genetics (formerly Invitae), Labcorp); PubMed 8218237 (cited by Labcorp Genetics (formerly Invitae), Labcorp); PubMed 19344236 (cited by Labcorp Genetics (formerly Invitae), Labcorp); PubMed 9016532 (cited by Labcorp Genetics (formerly Invitae), Labcorp); PubMed 17078022 (cited by 4 submitters); PubMed 21667357 (cited by 3 submitters); PubMed 16705691 (cited by 3 submitters).

NM_000089.4(COL1A2):c.1801G>A (p.Gly601Ser)

Gene: COL1A2 (collagen type I alpha 2 chain; plus strand). Cytogenetic location: 7q21.3.
Variant type: single nucleotide variant.
Coding change: c.1801G>A on transcript NM_000089.4 (MANE Select); coding-DNA position 1801, G replaced by A.
Protein change: p.Gly601Ser; replaces glycine 601 with serine.
Molecular consequence: missense variant.
Genome position (GRCh38, 1-based): chr7:94,416,441, G>A. VCF-style: chr7-94416441-G-A. GRCh37 (hg19) VCF-style: chr7-94045753-G-A.
Other names: c.1801G>A (LRG_2t1); short protein forms G601S.
Identifiers: ClinVar variation 425649 (VCV000425649.27), dbSNP rs72658143, ClinGen allele CA162929069.
Genomic context (GRCh38, chr7:94,416,441, plus strand): 5'-ACTTCTTCTAATCACTTTTTTCAGGGGGAACGCGGTCCCCCAGGTGAGAGTGGTGCTGCC[G>A]GTCCTACTGGTCCTATTGGAAGCCGAGGTCCTTCTGGACCCCCAGGGCCTGATGGAAACA-3'
Protein context (NP_000080.2, residues 591-611): RGPPGESGAA[Gly601Ser]PTGPIGSRGP